The following is an entry in ClinVar:

ClinVar aggregate classification (germline): Uncertain significance (1 of 4 stars; one submission).

Conditions:
Kleefstra syndrome 1 (KLEFS1). Identifiers: Orphanet 261494, MedGen C0795833, MONDO:0027407, OMIM 610253.

Submission:

Labcorp Genetics (formerly Invitae), Labcorp
Classification: Uncertain significance for Kleefstra syndrome 1. Last evaluated: 2024-08-23. Review status: criteria provided, single submitter. Criteria: Invitae Variant Classification Sherloc (09022015). Collection method: clinical testing. Allele origin: germline.
Comment: This sequence change replaces serine, which is neutral and polar, with threonine, which is neutral and polar, at codon 183 of the EHMT1 protein (p.Ser183Thr). This variant is not present in population databases (gnomAD no frequency). This variant has not been reported in the literature in individuals affected with EHMT1-related conditions. ClinVar contains an entry for this variant (Variation ID: 834776). An algorithm developed to predict the effect of missense changes on protein structure and function (PolyPhen-2) suggests that this variant is likely to be tolerated. In summary, the available evidence is currently insufficient to determine the role of this variant in disease. Therefore, it has been classified as a Variant of Uncertain Significance.

NM_024757.5(EHMT1):c.548G>C (p.Ser183Thr)

Gene: EHMT1 (euchromatic histone lysine methyltransferase 1; plus strand). Cytogenetic location: 9q34.3.
Variant type: single nucleotide variant.
Coding change: c.548G>C on transcript NM_024757.5 (MANE Select); coding-DNA position 548, G replaced by C.
Protein change: p.Ser183Thr; replaces serine 183 with threonine.
Molecular consequence: missense variant.
Genome position (GRCh38, 1-based): chr9:137,717,088, G>C. VCF-style: chr9-137717088-G-C. GRCh37 (hg19) VCF-style: chr9-140611540-G-C.
Other names: c.548G>C, p.Ser183Thr (NM_001145527.2, NM_001354263.2, NM_001354611.2); c.455G>C, p.Ser152Thr (NM_001354259.2, NM_001354612.2); short protein forms S152T, S183T.
Identifiers: ClinVar variation 834776 (VCV000834776.10), dbSNP rs1292725669, ClinGen allele CA375765746.